The following is an entry in ClinVar:

ClinVar aggregate classification (germline): Benign/Likely benign. Review status: criteria provided, multiple submitters, no conflicts (2 of 4 stars). 6 submissions from 6 submitters: Benign (2); Likely benign (2). 2 of the submissions do not count toward it. Last evaluated 2025-04-10.

Submissions (6):

Mayo Clinic Laboratories, Mayo Clinic
Classification: Likely benign. Last evaluated: 2025-04-10. Review status: criteria provided, single submitter. Criteria: ACMG Guidelines, 2015. Collection method: clinical testing. Allele origin: germline. Observed: 78 variant alleles.
Comment: BP4, BP7

Laboratory of Genetics, Children's Clinical University Hospital Latvia
Classification: Benign. Last evaluated: 2025-02-16. Review status: criteria provided, single submitter. Criteria: ACMG Guidelines, 2015. Collection method: clinical testing. Allele origin: germline. Affected: yes.

Labcorp Genetics (formerly Invitae), Labcorp
Classification: Benign. Last evaluated: 2025-01-12. Review status: criteria provided, single submitter. Criteria: Invitae Variant Classification Sherloc (09022015). Collection method: clinical testing. Allele origin: germline.

Blueprint Genetics
Classification: Likely benign. Last evaluated: 2024-11-27. Review status: criteria provided, single submitter. Criteria: ACMG Guidelines, 2015. Collection method: clinical testing. Allele origin: germline.

Clinical Genetics DNA and cytogenetics Diagnostics Lab, Erasmus MC, Erasmus Medical Center
Classification: Likely benign. Review status: no assertion criteria provided. Collection method: clinical testing. Allele origin: germline. Affected: yes. Study: VKGL Data-share Consensus. Not counted in ClinVar's aggregate classification.

Laboratory of Diagnostic Genome Analysis, Leiden University Medical Center (LUMC)
Classification: Likely benign. Review status: no assertion criteria provided. Collection method: clinical testing. Allele origin: germline. Affected: yes. Study: VKGL Data-share Consensus. Not counted in ClinVar's aggregate classification.

NM_018896.5(CACNA1G):c.354+5GT[16]

Gene: CACNA1G (calcium voltage-gated channel subunit alpha1 G; plus strand). Cytogenetic location: 17q21.33.
Variant type: Microsatellite.
Coding change: c.354+5GT[16] on transcript NM_018896.5 (MANE Select); 16 copies in a row of the 2-base unit GT starting at c.354+5; the reference has 15 copies in a row; one copy, 2 bases duplicated.
Molecular consequence: intron variant.
Genome position (GRCh38, 1-based): chr17:50,569,014-50,569,015, GT duplicated; duplicating any 2 consecutive bases within chr17:50,568,986-50,569,015 gives the same sequence; the position shown is the placement nearest the transcript's 3' end. VCF-style (leftmost placement, unchanged base first): chr17-50568985-A-AGT. GRCh37 (hg19) VCF-style: chr17-48646346-A-AGT.
Other names: p.?; c.354+33_354+34dup (NM_018896.5); c.354+5GT[16] (NM_001256325.2, NM_198377.3, NM_198380.3 and 24 more transcripts).
Identifiers: ClinVar variation 1205938 (VCV001205938.9), dbSNP rs3833150, ClinGen allele CA500863886.